The following is an entry in ClinVar:

ClinVar aggregate classification (germline): Pathogenic/Likely pathogenic. Review status: criteria provided, multiple submitters, no conflicts (2 of 4 stars). 6 submissions from 5 submitters: Pathogenic (1); Likely pathogenic (5). Last evaluated 2025-12-23.

Conditions:
PKD1-related disorder. Also called: PKD1-related condition.
Polycystic kidney disease, adult type (PKD1). Also called: Polycystic Kidney Disease 1, Autosomal Dominant; Polycystic kidney disease 1; Polycystic kidney disease 1, severe; POLYCYSTIC KIDNEY DISEASE 1 WITH OR WITHOUT POLYCYSTIC LIVER DISEASE; POLYCYSTIC KIDNEY DISEASE, ADULT, TYPE I; Polycystic Kidney, Autosomal Dominant. Identifiers: MedGen C3149841, MONDO:0008263, OMIM 173900.
Hypertensive disorder. Also called: Hypertension. Identifiers: MedGen C0020538, MONDO:0005044, HP:0000822.
Polycystic kidney disease. Also called: Kidney, Polycystic; Polycystic kidney dysplasia. Identifiers: MedGen C0022680, MeSH D007690, MONDO:0020642, HP:0000113.

Submissions (6):

PreventionGenetics, part of Exact Sciences
Classification: Likely pathogenic for PKD1-related condition. Last evaluated: 2025-12-23. Review status: criteria provided, single submitter. Criteria: ACMG Guidelines, 2015. Collection method: clinical testing. Allele origin: germline.
Comment: The PKD1 c.11524T>C variant is predicted to result in the amino acid substitution p.Trp3842Arg. This variant was reported in an individual with autosomal dominant polycystic kidney disease (ADPKD) (reported as p.W3841R in Zacchia et al. 2021. PubMed ID: 33964006). The p.Trp3842 residue is highly conserved. The REVEL (rare exome variant ensemble learner) program predicts this variant is pathogenic at a "strong" level (Ioannidis et al. 2016. PubMed ID: 27666373; Bergquist et al. 2024. PubMed ID: 39345488). Of note, different substitutions at the same codon have been reported in individuals with ADPKD (p.Trp3842Cys in Table S2 of Schönauer et al. 2020. PubMed ID: 32398770, presented as de novo in Peng et al. 2023. PubMed ID: 37667185 and Supplementary Table 2 of Nielsen et al. 2021. PubMed ID: 33639313; p.Trp3842Gly in Supplemental Table 3 of Cornec-Le Gall et al. 2016. PubMed ID: 26150605). The c.11524T>C (p.Trp3842Arg) variant has not been reported in a large population database (gnomAD), indicating this variant is rare. This variant is interpreted as likely pathogenic.

Variantyx, Inc.
Classification: Likely pathogenic for Polycystic kidney disease, adult type. Last evaluated: 2025-05-05. Review status: criteria provided, single submitter. Criteria: Variantyx Assertion Criteria 2022. Collection method: clinical testing. Allele origin: germline. Inheritance: Autosomal dominant inheritance. Affected: yes.
Comment: This is a nonsynonymous variant in the PKD1 gene (OMIM: 601313). Pathogenic variants in this gene have been associated with autosomal dominant polycystic kidney disease 1. This variant has been reported in several unrelated affected individuals (PMID: 36755831, 30858458, 26823553) (PS4). Multiple computational algorithms predict a deleterious effect for this variant (REVEL score: 0.941) (PP3). This variant is absent from control populations (PM2). Based on the current evidence, this variant is classified as likely pathogenic for autosomal dominant polycystic kidney disease 1.

Blueprint Genetics
Classification: Likely pathogenic for PKD1-related disorders. Last evaluated: 2023-10-11. Review status: criteria provided, single submitter. Criteria: ACMG Guidelines, 2015. Collection method: clinical testing. Allele origin: germline. Affected: yes. Observed: 1 variant allele.

CeGaT Center for Human Genetics Tuebingen
Classification: Likely pathogenic. Last evaluated: 2023-04-01. Review status: criteria provided, single submitter. Criteria: CeGaT Center For Human Genetics Tuebingen Variant Classification Criteria Version 2. Collection method: clinical testing. Allele origin: germline. Affected: yes. Observed: 1 variant allele.
Comment: PKD1: PM1, PM2, PM5:Supporting, PM6:Supporting, PS4:Supporting

Centre for Mendelian Genomics, University Medical Centre Ljubljana
Classification: Pathogenic for Polycystic kidney disease, adult type. Last evaluated: 2016-01-01. Review status: criteria provided, single submitter. Criteria: ACMG Guidelines, 2015. Collection method: clinical testing. Allele origin: unknown. Affected: yes.
Comment: This variant was classified as: Pathogenic. The following ACMG criteria were applied in classifying this variant: PS1,PM2,PM5,PP3,PP4.

Centre for Mendelian Genomics, University Medical Centre Ljubljana
Classification: Likely pathogenic for Hypertensive disorder; Polycystic kidney disease. Last evaluated: 2014-06-18. Review status: criteria provided, single submitter. Criteria: ACMG Guidelines, 2015. Collection method: clinical testing. Allele origin: unknown. Affected: yes.

Literature cited by the submitters: PubMed 36755831 (cited by Variantyx, Inc.); PubMed 30858458 (cited by Variantyx, Inc.); PubMed 26823553 (cited by Variantyx, Inc.).

NM_001009944.3(PKD1):c.11524T>C (p.Trp3842Arg)

Genes: PKD1 (polycystin 1, transient receptor potential channel interacting; minus strand), PKD1-AS1 (PKD1 antisense RNA 1; plus strand). Cytogenetic location: 16p13.3.
Variant type: single nucleotide variant.
Coding change: c.11524T>C on transcript NM_001009944.3 (MANE Select); coding-DNA position 11524, T replaced by C.
Protein change: p.Trp3842Arg; replaces tryptophan 3842 with arginine.
Molecular consequence: missense variant.
Genome position (GRCh38, 1-based): chr16:2,091,794, A>G on the plus strand (T>C on the coding strand, the complement: PKD1 is on the minus strand). VCF-style: chr16-2091794-A-G. GRCh37 (hg19) VCF-style: chr16-2141795-A-G.
Other names: c.11521T>C, p.Trp3841Arg (NM_000296.4); short protein forms W3842R, W3841R.
Identifiers: ClinVar variation 374187 (VCV000374187.34), dbSNP rs1057518959, ClinGen allele CA16043503.
Genomic context (GRCh38, chr16:2,091,794, plus strand): 5'-CTGGTGACTGCGGCCACCCCGGAGAGGGCAGGGGAGGGAGCTCCCACCTGTTGTCCAGCC[A>G]GTTGTGCAGCTGCAGGAAGCGCAGCCGGTCGCGGCTCTCCTCCAGGCTCAGGCCCAGCTC-3'
Protein context (NP_001009944.3, residues 3832-3852): DRLRFLQLHN[Trp3842Arg]LDNRSRAVFL